The following is an entry in ClinVar:

ClinVar aggregate classification (germline): Uncertain significance (1 of 4 stars; one submission).

Conditions:
Fanconi anemia (FA). Also called: Fanconi's anemia. Identifiers: Orphanet 84, MedGen C0015625, MeSH D005199, MONDO:0019391.

Allele frequency attached by ClinVar (database versions not stated): ExAC 0.00001; TOPMed 0.00001.
gnomAD v4.1: 1 of 1,614,146 alleles (0.000062%); highest among the groups gnomAD compares: Admixed American, 0.0017%; no homozygotes.

Submission:

Labcorp Genetics (formerly Invitae), Labcorp
Classification: Uncertain significance for Fanconi anemia. Last evaluated: 2024-09-19. Review status: criteria provided, single submitter. Criteria: Invitae Variant Classification Sherloc (09022015). Collection method: clinical testing. Allele origin: germline.
Comment: This sequence change replaces arginine, which is basic and polar, with lysine, which is basic and polar, at codon 1209 of the SLX4 protein (p.Arg1209Lys). This variant is present in population databases (rs768028392, gnomAD 0.003%). This variant has not been reported in the literature in individuals affected with SLX4-related conditions. ClinVar contains an entry for this variant (Variation ID: 1922051). An algorithm developed to predict the effect of missense changes on protein structure and function outputs the following: PolyPhen-2: "Benign". The lysine amino acid residue is found in multiple mammalian species, which suggests that this missense change does not adversely affect protein function. In summary, the available evidence is currently insufficient to determine the role of this variant in disease. Therefore, it has been classified as a Variant of Uncertain Significance.

NM_032444.4(SLX4):c.3626G>A (p.Arg1209Lys)

Gene: SLX4 (SLX4 structure-specific endonuclease subunit; minus strand). Cytogenetic location: 16p13.3.
Variant type: single nucleotide variant.
Coding change: c.3626G>A on transcript NM_032444.4 (MANE Select); coding-DNA position 3626, G replaced by A.
Protein change: p.Arg1209Lys; replaces arginine 1209 with lysine.
Molecular consequence: missense variant.
Genome position (GRCh38, 1-based): chr16:3,590,012, C>T on the plus strand (G>A on the coding strand, the complement: SLX4 is on the minus strand). VCF-style: chr16-3590012-C-T. GRCh37 (hg19) VCF-style: chr16-3640013-C-T.
Other names: short protein forms R1209K.
Identifiers: ClinVar variation 1922051 (VCV001922051.5), dbSNP rs768028392, ClinGen allele CA7865886.
Genomic context (GRCh38, chr16:3,590,012, plus strand): 5'-AAAGAGCCCCGATTCTCCGGCAGCGCCCCCTCATCCTCCTGCTGCAGCACAGCTTCGCTT[C>T]TTGGTGGGCTCTGGGAAGGTTCCTGATCTGCATCAACATCAATGATGGAAAACAGCTCAC-3'
Protein context (NP_115820.2, residues 1199-1219): ADQEPSQSPP[Arg1209Lys]SEAVLQQEDE